The following is an entry in ClinVar:

ClinVar aggregate classification (germline): Likely benign (1 of 4 stars; one submission).

Conditions:
Xeroderma pigmentosum, group F (XPF). Also called: XERODERMA PIGMENTOSUM, COMPLEMENTATION GROUP F; XERODERMA PIGMENTOSUM VI; XP, GROUP F; ERCC4-Related Xeroderma Pigmentosum; XERODERMA PIGMENTOSUM, TYPE F; Xeroderma pigmentosum, type 6. Identifiers: MedGen C0268140, MONDO:0010215, OMIM 278760.

Allele frequency attached by ClinVar (database versions not stated): gnomAD exomes 0.00068; gnomAD 0.00232 and 0.00254; 1000 Genomes Project 0.00240; 1000 Genomes Project 30x 0.00265; TOPMed 0.00288.
gnomAD v4.1: 407 of 233,072 alleles (0.17%); highest among the groups gnomAD compares: African/African-American, 0.82%; no homozygotes.

Submission:

Illumina Laboratory Services, Illumina
Classification: Likely benign for Xeroderma pigmentosum, group F. Last evaluated: 2018-01-13. Review status: criteria provided, single submitter. Criteria: ICSL Variant Classification Criteria 13 December 2019. Collection method: clinical testing. Allele origin: germline.
Comment: This variant was observed in the ICSL laboratory as part of a predisposition screen in an ostensibly healthy population. It had not been previously curated by ICSL or reported in the Human Gene Mutation Database (HGMD: prior to June 1st, 2018), and was therefore a candidate for classification through an automated scoring system. Utilizing variant allele frequency, disease prevalence and penetrance estimates, and inheritance mode, an automated score was calculated to assess if this variant is too frequent to cause the disease. Based on the score and internal cut-off values, a variant classified as likely benign is not then subjected to further curation. The score for this variant resulted in a classification of likely benign for this disease.

NM_005236.3(ERCC4):c.*701A>T

Gene: ERCC4 (ERCC excision repair 4, endonuclease catalytic subunit; plus strand). Cytogenetic location: 16p13.12.
Variant type: single nucleotide variant.
Coding change: c.*701A>T on transcript NM_005236.3 (MANE Select); 701 bases downstream of the stop codon, A replaced by T.
Molecular consequence: 3 prime UTR variant.
Genome position (GRCh38, 1-based): chr16:13,949,048, A>T. VCF-style: chr16-13949048-A-T. GRCh37 (hg19) VCF-style: chr16-14042905-A-T.
Identifiers: ClinVar variation 888166 (VCV000888166.4), dbSNP rs146955145, ClinGen allele CA278486667.